The following is an entry in ClinVar:

ClinVar aggregate classification (germline): Likely pathogenic (1 of 4 stars; one submission).

Conditions:
Inborn genetic diseases. Identifiers: MedGen C0950123, MeSH D030342.

Allele frequency attached by ClinVar (database versions not stated): gnomAD exomes below 0.00001.
gnomAD v4.1: 1 of 1,613,948 alleles (0.000062%); highest among the groups gnomAD compares: East Asian, 0.0022%; no homozygotes.

Submission:

Ambry Genetics
Classification: Likely pathogenic for Inborn genetic diseases. Last evaluated: 2021-10-07. Review status: criteria provided, single submitter. Criteria: Ambry Variant Classification Scheme 2023. Collection method: clinical testing. Allele origin: germline.
Comment: The c.760-1G>A intronic variant results from a G to A substitution one nucleotide before coding exon 5 of the PIGG gene. Alterations that disrupt the canonical splice site are expected to cause aberrant splicing, resulting in an abnormal protein or a transcript that is subject to nonsense-mediated mRNA decay. This variant was not reported in population-based cohorts in the Genome Aggregation Database (gnomAD). Based on the available evidence, this alteration is classified as likely pathogenic.

NM_001127178.3(PIGG):c.760-1G>A

Gene: PIGG (phosphatidylinositol glycan anchor biosynthesis class G (EMM blood group); plus strand). Cytogenetic location: 4p16.3.
Variant type: single nucleotide variant.
Coding change: c.760-1G>A on transcript NM_001127178.3 (MANE Select); the canonical splice acceptor site of the intron before coding-DNA position 760, G replaced by A.
Molecular consequence: splice acceptor variant. On other transcripts: intron variant (1).
Genome position (GRCh38, 1-based): chr4:508,828, G>A. VCF-style: chr4-508828-G-A. GRCh37 (hg19) VCF-style: chr4-502617-G-A.
Other names: c.-453-1G>A (NM_001345994.2); c.493-1G>A (NM_001345986.2, NM_001345987.2, NM_001289051.2 and 2 more transcripts); c.-728-1G>A (NM_001345991.2); c.-129+1235G>A (NM_001345988.2); c.-866-1G>A (NM_001345990.2); c.760-1G>A (NM_017733.5, NM_001345989.2); c.361-1G>A (NM_001289052.2); c.394-1G>A (NM_001289055.2).
Identifiers: ClinVar variation 2245465 (VCV002245465.2), dbSNP rs2474641210, ClinGen allele CA355899730.
Genomic context (GRCh38, chr4:508,828, plus strand): 5'-TTAAGATGATGTGCTCTCTTCAGTCTGAACGCAGTTGAAATGTTTTTCCTTTGCCTTAAA[G>A]GAGAGAGAGACGCCTTTACCCAATTTGCTGGTTCTTTGTGGTGACCATGGCATGTCTGAA-3'